The following is an entry in ClinVar:

ClinVar aggregate classification (germline): Uncertain significance (1 of 4 stars; one submission).

Conditions:
Fanconi anemia (FA). Also called: Fanconi's anemia. Identifiers: Orphanet 84, MedGen C0015625, MeSH D005199, MONDO:0019391.

Submission:

Labcorp Genetics (formerly Invitae), Labcorp
Classification: Uncertain significance for Fanconi anemia. Last evaluated: 2020-01-09. Review status: criteria provided, single submitter. Criteria: Invitae Variant Classification Sherloc (09022015). Collection method: clinical testing. Allele origin: germline.
Comment: In summary, the available evidence is currently insufficient to determine the role of this variant in disease. Therefore, it has been classified as a Variant of Uncertain Significance. Algorithms developed to predict the effect of missense changes on protein structure and function do not agree on the potential impact of this missense change (SIFT: "Deleterious"; PolyPhen-2: "Probably Damaging"; Align-GVGD: "Class C0"). This variant has not been reported in the literature in individuals with FANCF-related disease. This variant is not present in population databases (ExAC no frequency). This sequence change replaces valine with phenylalanine at codon 17 of the FANCF protein (p.Val17Phe). The valine residue is highly conserved and there is a small physicochemical difference between valine and phenylalanine.

NM_022725.4(FANCF):c.49G>T (p.Val17Phe)

Gene: FANCF (FA complementation group F; minus strand). Cytogenetic location: 11p14.3.
Variant type: single nucleotide variant.
Coding change: c.49G>T on transcript NM_022725.4 (MANE Select); coding-DNA position 49, G replaced by T.
Protein change: p.Val17Phe; replaces valine 17 with phenylalanine.
Molecular consequence: missense variant.
Genome position (GRCh38, 1-based): chr11:22,625,762, C>A on the plus strand (G>T on the coding strand, the complement: FANCF is on the minus strand). VCF-style: chr11-22625762-C-A. GRCh37 (hg19) VCF-style: chr11-22647308-C-A.
Other names: short protein forms V17F.
Identifiers: ClinVar variation 582535 (VCV000582535.10), dbSNP rs758897077, ClinGen allele CA380059928.